The following is an entry in ClinVar:

NM_001606.5(ABCA2):c.5532C>A (p.Asp1844Glu)

Gene: ABCA2 (ATP binding cassette subfamily A member 2; minus strand). Cytogenetic location: 9q34.3.
Variant type: single nucleotide variant.
Coding change: c.5532C>A on transcript NM_001606.5 (MANE Select); coding-DNA position 5532, C replaced by A.
Protein change: p.Asp1844Glu; replaces aspartic acid 1844 with glutamic acid.
Molecular consequence: missense variant.
Genome position (GRCh38, 1-based): chr9:137,011,847, G>T on the plus strand (C>A on the coding strand, the complement: ABCA2 is on the minus strand). VCF-style: chr9-137011847-G-T. GRCh37 (hg19) VCF-style: chr9-139906299-G-T.
Other names: c.5529C>A, p.Asp1843Glu (NM_001411042.1); c.5622C>A, p.Asp1874Glu (NM_212533.3); short protein forms D1843E, D1844E, D1874E.
Identifiers: ClinVar variation 3251046 (VCV003251046.18), dbSNP rs770447714.

ClinVar aggregate classification (germline): Uncertain significance (1 of 4 stars; one submission).

Submission:

CeGaT Center for Human Genetics Tuebingen
Classification: Uncertain significance. Last evaluated: 2024-06-01. Review status: criteria provided, single submitter. Criteria: CeGaT Center For Human Genetics Tuebingen Variant Classification Criteria Version 2. Collection method: clinical testing. Allele origin: germline. Affected: yes. Observed: 1 variant allele.
Comment: ABCA2: PM2